The following is an entry in ClinVar:

NM_001039141.3(TRIOBP):c.6694C>T (p.Arg2232Cys)

Gene: TRIOBP (TRIO and F-actin binding protein; plus strand). Cytogenetic location: 22q13.1.
Variant type: single nucleotide variant.
Coding change: c.6694C>T on transcript NM_001039141.3 (MANE Select); coding-DNA position 6694, C replaced by T.
Protein change: p.Arg2232Cys; replaces arginine 2232 with cysteine.
Molecular consequence: missense variant.
Genome position (GRCh38, 1-based): chr22:37,769,146, C>T. VCF-style: chr22-37769146-C-T. GRCh37 (hg19) VCF-style: chr22-38165153-C-T.
Other names: c.1555C>T, p.Arg519Cys (NM_007032.5); short protein forms R2232C, R519C.
Identifiers: ClinVar variation 1342761 (VCV001342761.6), dbSNP rs201673500, ClinGen allele CA10225147.

ClinVar aggregate classification (germline): Uncertain significance. Review status: criteria provided, multiple submitters, no conflicts (2 of 4 stars). 3 submissions from 3 submitters: Uncertain significance (3). Last evaluated 2025-01-28.

Allele frequency attached by ClinVar (database versions not stated): gnomAD 0.00018 and 0.00017; 1000 Genomes Project 0.00020; TOPMed 0.00028; 1000 Genomes Project 30x 0.00031; ESP Exome Variant Server 0.00039; gnomAD exomes 0.00007 and 0.00008; ExAC 0.00012.
gnomAD v4.1: 143 of 1,612,086 alleles (0.0089%); highest among the groups gnomAD compares: Middle Eastern, 0.068%; no homozygotes.

Submissions (3):

Labcorp Genetics (formerly Invitae), Labcorp
Classification: Uncertain significance. Last evaluated: 2025-01-28. Review status: criteria provided, single submitter. Criteria: Invitae Variant Classification Sherloc (09022015). Collection method: clinical testing. Allele origin: germline.
Comment: This sequence change replaces arginine, which is basic and polar, with cysteine, which is neutral and slightly polar, at codon 2232 of the TRIOBP protein (p.Arg2232Cys). This variant is present in population databases (rs201673500, gnomAD 0.06%). This variant has not been reported in the literature in individuals affected with TRIOBP-related conditions. ClinVar contains an entry for this variant (Variation ID: 1342761). An algorithm developed to predict the effect of missense changes on protein structure and function outputs the following: PolyPhen-2: "Benign". The cysteine amino acid residue is found in multiple mammalian species, which suggests that this missense change does not adversely affect protein function. In summary, the available evidence is currently insufficient to determine the role of this variant in disease. Therefore, it has been classified as a Variant of Uncertain Significance.

GeneDx
Classification: Uncertain significance. Last evaluated: 2024-11-25. Review status: criteria provided, single submitter. Criteria: GeneDx Variant Classification Process June 2021. Collection method: clinical testing. Allele origin: germline. Affected: yes.
Comment: Identified in a patient with sensorineural hearing loss in published literature, however, variants were also present in other genes associated with hearing loss (PMID: 34515852); In silico analysis supports that this missense variant has a deleterious effect on protein structure/function; This variant is associated with the following publications: (PMID: 34515852)

Blueprint Genetics
Classification: Uncertain significance. Last evaluated: 2023-12-29. Review status: criteria provided, single submitter. Criteria: ACMG Guidelines, 2015. Collection method: clinical testing. Allele origin: germline.